The following is an entry in ClinVar:

ClinVar aggregate classification (germline): Benign. Review status: criteria provided, multiple submitters, no conflicts (2 of 4 stars). 2 submissions from 2 submitters: Benign (2). Last evaluated 2018-01-12.

Conditions:
Peroxisome biogenesis disorder 12A (Zellweger). Also called: Peroxisome biogenesis disorder 12A. Identifiers: Orphanet 912, MedGen C3554002, MONDO:0013951, OMIM 614886.

Allele frequency attached by ClinVar (database versions not stated): gnomAD exomes 0.00401 and 0.00637; TOPMed 0.03660; ExAC 0.00366; gnomAD 0.03465 and 0.03218; 1000 Genomes Project 30x 0.03467; 1000 Genomes Project 0.03175.

Submissions (2):

Illumina Laboratory Services, Illumina
Classification: Benign for Peroxisome biogenesis disorder 12A (Zellweger). Last evaluated: 2018-01-12. Review status: criteria provided, single submitter. Criteria: ICSL Variant Classification Criteria 13 December 2019. Collection method: clinical testing. Allele origin: germline.
Comment: This variant was observed in the ICSL laboratory as part of a predisposition screen in an ostensibly healthy population. It had not been previously curated by ICSL or reported in the Human Gene Mutation Database (HGMD: prior to June 1st, 2018), and was therefore a candidate for classification through an automated scoring system. Utilizing variant allele frequency, disease prevalence and penetrance estimates, and inheritance mode, an automated score was calculated to assess if this variant is too frequent to cause the disease. Based on the score and internal cut-off values, a variant classified as benign is not then subjected to further curation. The score for this variant resulted in a classification of benign for this disease.

Breakthrough Genomics
Classification: Benign. Review status: criteria provided, single submitter. Criteria: ACMG Guidelines, 2015. Collection method: not provided. Allele origin: germline. Inheritance: Autosomal recessive inheritance. Affected: yes.

NM_002857.4(PEX19):c.*487T>A

Gene: PEX19 (peroxisomal biogenesis factor 19; minus strand). Cytogenetic location: 1q23.2.
Variant type: single nucleotide variant.
Coding change: c.*487T>A on transcript NM_002857.4 (MANE Select); 487 bases downstream of the stop codon, T replaced by A.
Molecular consequence: 3 prime UTR variant. On other transcripts: non-coding transcript variant (2).
Genome position (GRCh38, 1-based): chr1:160,279,064, A>T on the plus strand (T>A on the coding strand, the complement: PEX19 is on the minus strand). VCF-style: chr1-160279064-A-T. GRCh37 (hg19) VCF-style: chr1-160248854-A-T.
Other names: c.*495T>A (NM_001193644.1).
Identifiers: ClinVar variation 293218 (VCV000293218.6), dbSNP rs16831724, ClinGen allele CA1197133.